The following is an entry in ClinVar:

NM_024675.4(PALB2):c.195G>A (p.Pro65=)

Gene: PALB2 (partner and localizer of BRCA2; minus strand). Cytogenetic location: 16p12.2.
Variant type: single nucleotide variant.
Coding change: c.195G>A on transcript NM_024675.4 (MANE Select); coding-DNA position 195, G replaced by A.
Protein change: p.Pro65=; no amino-acid change (proline 65 retained).
Molecular consequence: synonymous variant.
Genome position (GRCh38, 1-based): chr16:23,637,866, C>T on the plus strand (G>A on the coding strand, the complement: PALB2 is on the minus strand). VCF-style: chr16-23637866-C-T. GRCh37 (hg19) VCF-style: chr16-23649187-C-T.
Identifiers: ClinVar variation 184751 (VCV000184751.27), dbSNP rs751176316, ClinGen allele CA189942.
Genomic context (GRCh38, chr16:23,637,866, plus strand): 5'-GAAATGAATAATAAAGCAGGCATAAGTGAATGGTCTAGATTTACCTGAGTGTTTTAGCTG[C>T]GGTGAGAGATCCTGCTGAGACAAACAATCTTGTTCTTCTACTGTTTTCTTAATAGAATGC-3'
Protein context (NP_078951.2, residues 55-75): QDCLSQQDLS[Pro65=]QLKHSEPKNK

ClinVar aggregate classification (germline): Benign/Likely benign. Review status: criteria provided, multiple submitters, no conflicts (2 of 4 stars). 10 submissions from 10 submitters: Benign (2); Likely benign (6). 2 of the submissions do not count toward it. Last evaluated 2026-01-26.

Conditions:
PALB2-related disorder. Also called: PALB2-related disorders; PALB2-related condition.
Familial cancer of breast. Also called: BREAST CANCER, FAMILIAL; hereditary breast carcinoma; Hereditary breast cancer. Identifiers: Orphanet 227535, MedGen C0346153, MONDO:0016419, OMIM 114480. Disease mechanism: loss of function.
Pancreatic cancer, susceptibility to, 3. Identifiers: Orphanet 1333, MedGen C3150547, MONDO:0013236, OMIM 613348.
Fanconi anemia complementation group N. Also called: PALB2-Related Fanconi Anemia. Identifiers: Orphanet 84, MedGen C1835817, MONDO:0012565, OMIM 610832. Disease mechanism: loss of function.
Hereditary cancer-predisposing syndrome. Also called: Tumor predisposition; Hereditary Cancer Syndrome; Hereditary neoplastic syndrome; Neoplastic Syndromes, Hereditary. Identifiers: Orphanet 140162, MedGen C0027672, MeSH D009386, MONDO:0015356.

Allele frequency attached by ClinVar (database versions not stated): gnomAD 0.00001; TOPMed 0.00001; ExAC 0.00004.
gnomAD v4.1: 72 of 1,611,972 alleles (0.0045%); highest among the groups gnomAD compares: Non-Finnish European, 0.0056%; no homozygotes.

Submissions (10):

Labcorp Genetics (formerly Invitae), Labcorp
Classification: Likely benign for Familial cancer of breast. Last evaluated: 2026-01-26. Review status: criteria provided, single submitter. Criteria: Invitae Variant Classification Sherloc (09022015). Collection method: clinical testing. Allele origin: germline.

Center for Genomic Medicine, Rigshospitalet, Copenhagen University Hospital
Classification: Likely benign. Last evaluated: 2025-12-29. Review status: criteria provided, single submitter. Criteria: ACMG Guidelines, 2015. Collection method: clinical testing. Allele origin: germline.
Comment: Classification criteria: BP7

Quest Diagnostics Nichols Institute San Juan Capistrano
Classification: Likely benign. Last evaluated: 2023-05-10. Review status: criteria provided, single submitter. Criteria: Quest Diagnostics criteria. Collection method: clinical testing. Allele origin: unknown.

Myriad Genetics, Inc.
Classification: Benign for Familial cancer of breast. Last evaluated: 2023-03-30. Review status: criteria provided, single submitter. Criteria: Myriad Autosomal Dominant, Autosomal Recessive and X-Linked Classification Criteria (2023). Collection method: clinical testing. Allele origin: unknown.
Comment: This variant is considered benign. This variant is a silent/synonymous amino acid change and it is not expected to impact splicing.

Fulgent Genetics
Classification: Likely benign for Familial cancer of breast; Fanconi anemia complementation group N; Pancreatic cancer, susceptibility to, 3. Last evaluated: 2021-10-03. Review status: criteria provided, single submitter. Criteria: ACMG Guidelines, 2015. Collection method: clinical testing. Allele origin: unknown.

Color Diagnostics, LLC DBA Color Health
Classification: Likely benign for Hereditary cancer-predisposing syndrome. Last evaluated: 2017-06-24. Review status: criteria provided, single submitter. Criteria: ACMG Guidelines, 2015. Collection method: clinical testing. Allele origin: germline.

GeneDx
Classification: Benign. Last evaluated: 2015-04-23. Review status: criteria provided, single submitter. Criteria: GeneDx Variant Classification (06012015). Collection method: clinical testing. Allele origin: germline. Affected: yes.
Comment: This variant is considered likely benign or benign based on one or more of the following criteria: it is a conservative change, it occurs at a poorly conserved position in the protein, it is predicted to be benign by multiple in silico algorithms, and/or has population frequency not consistent with disease.

Ambry Genetics
Classification: Likely benign for Hereditary cancer-predisposing syndrome. Last evaluated: 2014-10-20. Review status: criteria provided, single submitter. Criteria: Ambry Variant Classification Scheme 2023. Collection method: clinical testing. Allele origin: germline.

PreventionGenetics, part of Exact Sciences
Classification: Likely benign for PALB2-related condition. Last evaluated: 2020-01-06. Review status: no assertion criteria provided. Collection method: clinical testing. Allele origin: germline. Not counted in ClinVar's aggregate classification.
Comment: This variant is classified as likely benign based on ACMG/AMP sequence variant interpretation guidelines (Richards et al. 2015 PMID: 25741868, with internal and published modifications).

Counsyl
Classification: Likely benign for Familial cancer of breast. Last evaluated: 2016-01-28. Review status: no assertion criteria provided. Collection method: clinical testing. Allele origin: unknown. Not counted in ClinVar's aggregate classification.